The following is an entry in ClinVar:

ClinVar aggregate classification (germline): Uncertain significance (1 of 4 stars; one submission).

Allele frequency attached by ClinVar (database versions not stated): gnomAD 0.00001; TOPMed 0.00001; ExAC 0.00002.
gnomAD v4.1: 19 of 1,476,400 alleles (0.0013%); highest among the groups gnomAD compares: Admixed American, 0.0079%; no homozygotes.

Submission:

Labcorp Genetics (formerly Invitae), Labcorp
Classification: Uncertain significance. Last evaluated: 2025-12-24. Review status: criteria provided, single submitter. Criteria: Invitae Variant Classification Sherloc (09022015). Collection method: clinical testing. Allele origin: germline.
Comment: This sequence change replaces glutamic acid, which is acidic and polar, with alanine, which is neutral and non-polar, at codon 460 of the ZCCHC8 protein (p.Glu460Ala). This variant is present in population databases (rs779084971, gnomAD 0.007%). This variant has not been reported in the literature in individuals affected with ZCCHC8-related conditions. ClinVar contains an entry for this variant (Variation ID: 1985083). Invitae Evidence Modeling of protein sequence and biophysical properties (such as structural, functional, and spatial information, amino acid conservation, physicochemical variation, residue mobility, and thermodynamic stability) indicates that this missense variant is not expected to disrupt ZCCHC8 protein function with a negative predictive value of 80%. In summary, the available evidence is currently insufficient to determine the role of this variant in disease. Therefore, it has been classified as a Variant of Uncertain Significance.

NM_017612.5(ZCCHC8):c.1379A>C (p.Glu460Ala)

Gene: ZCCHC8 (zinc finger CCHC-type containing 8; minus strand). Cytogenetic location: 12q24.31.
Variant type: single nucleotide variant.
Coding change: c.1379A>C on transcript NM_017612.5 (MANE Select); coding-DNA position 1379, A replaced by C.
Protein change: p.Glu460Ala; replaces glutamic acid 460 with alanine.
Molecular consequence: missense variant.
Genome position (GRCh38, 1-based): chr12:122,474,242, T>G on the plus strand (A>C on the coding strand, the complement: ZCCHC8 is on the minus strand). VCF-style: chr12-122474242-T-G. GRCh37 (hg19) VCF-style: chr12-122958789-T-G.
Other names: c.1148A>C, p.Glu383Ala (NM_001350935.2); c.1082A>C, p.Glu361Ala (NM_001350936.2); c.665A>C, p.Glu222Ala (NM_001350937.2, NM_001350938.2); short protein forms E383A, E222A, E361A, E460A.
Identifiers: ClinVar variation 1985083 (VCV001985083.4), dbSNP rs779084971, ClinGen allele CA6846181.
Genomic context (GRCh38, chr12:122,474,242, plus strand): 5'-GGAGTTCCCCGGGGGAGTGGAGGAGTGTCAGGAGGTAATGGTGGTTGAAACTGAAAACTT[T>G]CGCTGCTCTGAGAACCATGTGGTACCTCCATATCTGAAGTAAGAAAGTTAAGAGATACTT-3'
Protein context (NP_060082.2, residues 450-470): MEVPHGSQSS[Glu460Ala]SFQFQPPLPP